The following is an entry in ClinVar:

NC_000016.10:g.(89762023_89764889)_(89765067_89767140)del

Gene: FANCA (FA complementation group A; minus strand). Cytogenetic location: 16q24.3.
Variant type: Deletion.
Identifiers: ClinVar variation 974242 (VCV000974242.1).

ClinVar aggregate classification (germline): Pathogenic (0 of 4 stars; one submission).

Conditions:
Fanconi anemia complementation group A (FANCA). Also called: Fanconi anemia, group A; FANCA-Related Fanconi Anemia. Identifiers: Orphanet 84, MedGen C3469521, MONDO:0009215, OMIM 227650.

Submission:

Leiden Open Variation Database
Classification: Pathogenic for Fanconi anemia complementation group A. Last evaluated: 2020-02-28. Review status: no assertion criteria provided. Collection method: curation. Allele origin: germline. Affected: yes.
Comment: Curator: Arleen D. Auerbach. Submitter to LOVD: Arleen D. Auerbach.

Literature cited by the submitters: PubMed 25168418.